The following is an entry in ClinVar:

NM_000124.4(ERCC6):c.4017del (p.Ser1340fs)

Gene: ERCC6 (ERCC excision repair 6, chromatin remodeling factor; minus strand). Cytogenetic location: 10q11.23.
Variant type: Deletion.
Coding change: c.4017del on transcript NM_000124.4 (MANE Select); coding-DNA position 4017, one base deleted (C; older notation c.4017delC).
Protein change: p.Ser1340fs; shifts the reading frame from serine 1340.
Molecular consequence: frameshift variant.
Genome position (GRCh38, 1-based): chr10:49,460,418, G deleted on the plus strand (C on the coding strand, the reverse complement: ERCC6 is on the minus strand). VCF-style (leftmost placement, unchanged base first): chr10-49460417-AG-A. GRCh37 (hg19) VCF-style: chr10-50668463-AG-A.
Other names: c.4017del, p.Ser1340fs (NM_001346440.2); short protein forms S1340fs.
Identifiers: ClinVar variation 1996666 (VCV001996666.4), dbSNP rs2495946873, ClinGen allele CA2580081569.

ClinVar aggregate classification (germline): Pathogenic (1 of 4 stars; one submission).

Submission:

Labcorp Genetics (formerly Invitae), Labcorp
Classification: Pathogenic. Last evaluated: 2022-05-20. Review status: criteria provided, single submitter. Criteria: Invitae Variant Classification Sherloc (09022015). Collection method: clinical testing. Allele origin: germline.
Comment: For these reasons, this variant has been classified as Pathogenic. This variant disrupts a region of the ERCC6 protein in which other variant(s) (p.Gly1372Glufs*22) have been determined to be pathogenic (PMID: 27004399; Invitae). This suggests that this is a clinically significant region of the protein, and that variants that disrupt it are likely to be disease-causing. This variant has not been reported in the literature in individuals affected with ERCC6-related conditions. This variant is not present in population databases (gnomAD no frequency). This sequence change creates a premature translational stop signal (p.Ser1340Leufs*19) in the ERCC6 gene. While this is not anticipated to result in nonsense mediated decay, it is expected to disrupt the last 154 amino acid(s) of the ERCC6 protein.

Literature cited by the submitters: PubMed 27004399.